The following is an entry in ClinVar:

NM_001122764.3(PPOX):c.164A>C (p.Glu55Ala)

Gene: PPOX (protoporphyrinogen oxidase; plus strand). Cytogenetic location: 1q23.3.
Variant type: single nucleotide variant.
Coding change: c.164A>C on transcript NM_001122764.3 (MANE Select); coding-DNA position 164, A replaced by C.
Protein change: p.Glu55Ala; replaces glutamic acid 55 with alanine.
Molecular consequence: missense variant. On other transcripts: 5 prime UTR variant (5).
Genome position (GRCh38, 1-based): chr1:161,167,176, A>C. VCF-style: chr1-161167176-A-C. GRCh37 (hg19) VCF-style: chr1-161136966-A-C.
Other names: p.Glu55Ala; c.-264A>C (NM_001350129.2); c.-355A>C (NM_001350130.2); c.-241A>C (NM_001350131.2); c.164A>C, p.Glu55Ala (NM_001365398.1, NM_001365399.1, NM_001350128.2 and 1 more transcripts); c.-148A>C (NM_001365400.1); c.-207A>C (NM_001365401.1); short protein forms E55A.
Identifiers: ClinVar variation 3380122 (VCV003380122.4).

ClinVar aggregate classification (germline): Conflicting classifications of pathogenicity. Review status: criteria provided, conflicting classifications (1 of 4 stars). 3 submissions from 3 submitters: Likely pathogenic (1); Uncertain significance (2). Last evaluated 2026-02-27.

Conditions:
Variegate porphyria, childhood-onset (VPCO). Also called: VARIEGATE PORPHYRIA, HOMOZYGOUS VARIANT. Identifiers: MedGen C5882681, MONDO:0957577, OMIM 620483.

Submissions (3):

Institute of Medical Genetics and Applied Genomics, University Hospital Tübingen
Classification: Likely pathogenic for Variegate porphyria, childhood-onset. Last evaluated: 2026-02-27. Review status: criteria provided, single submitter. Criteria: ACMG Guidelines, 2015. Collection method: clinical testing. Allele origin: germline. Inheritance: Autosomal recessive inheritance. Affected: yes.

Labcorp Genetics (formerly Invitae), Labcorp
Classification: Uncertain significance. Last evaluated: 2024-03-12. Review status: criteria provided, single submitter. Criteria: Invitae Variant Classification Sherloc (09022015). Collection method: clinical testing. Allele origin: germline.
Comment: This sequence change replaces glutamic acid, which is acidic and polar, with alanine, which is neutral and non-polar, at codon 55 of the PPOX protein (p.Glu55Ala). This variant is not present in population databases (gnomAD no frequency). This variant has not been reported in the literature in individuals affected with PPOX-related conditions. Advanced modeling of protein sequence and biophysical properties (such as structural, functional, and spatial information, amino acid conservation, physicochemical variation, residue mobility, and thermodynamic stability) performed at Invitae indicates that this missense variant is expected to disrupt PPOX protein function with a positive predictive value of 80%. In summary, the available evidence is currently insufficient to determine the role of this variant in disease. Therefore, it has been classified as a Variant of Uncertain Significance.

Mayo Clinic Laboratories, Mayo Clinic
Classification: Uncertain significance. Last evaluated: 2024-01-31. Review status: criteria provided, single submitter. Criteria: ACMG Guidelines, 2015. Collection method: clinical testing. Allele origin: germline. Observed: 3 variant alleles.
Comment: PP3_strong, PP4, PM2